The following is an entry in ClinVar:

NM_000129.4(F13A1):c.521del (p.Ser174fs)

Gene: F13A1 (coagulation factor XIII A chain; minus strand). Cytogenetic location: 6p25.1.
Variant type: Deletion.
Coding change: c.521del on transcript NM_000129.4 (MANE Select); coding-DNA position 521, one base deleted (G; older notation c.521delG).
Protein change: p.Ser174fs; shifts the reading frame from serine 174.
Molecular consequence: frameshift variant.
Genome position (GRCh38, 1-based): chr6:6,266,608, C deleted on the plus strand (G on the coding strand, the reverse complement: F13A1 is on the minus strand). VCF-style (leftmost placement, unchanged base first): chr6-6266607-AC-A. GRCh37 (hg19) VCF-style: chr6-6266840-AC-A.
Other names: short protein forms S174fs.
Identifiers: ClinVar variation 3032801 (VCV003032801.2), dbSNP rs774669729, ClinGen allele CA3624645.

ClinVar aggregate classification (germline): Pathogenic (0 of 4 stars; one submission).

Conditions:
F13A1-related disorder. Also called: F13A1-related condition.

Allele frequency attached by ClinVar (database versions not stated): ExAC 0.00001; gnomAD exomes 0.00001.

Submission:

PreventionGenetics, part of Exact Sciences
Classification: Pathogenic for F13A1-related condition. Last evaluated: 2023-11-07. Review status: no assertion criteria provided. Collection method: clinical testing. Allele origin: germline.
Comment: The F13A1 c.521delG variant is predicted to result in a frameshift and premature protein termination (p.Ser174Ilefs*34). This variant was reported in an individual with Factor XIII deficiency (Table 1, Shanbhag et al. 2016. PubMed ID: 26852661). This variant is reported in 0.0065% of alleles in individuals of South Asian descent in gnomAD. Frameshift variants in F13A1 are expected to be pathogenic. This variant is interpreted as pathogenic.